The following is an entry in ClinVar:

NM_182641.4(BPTF):c.342C>T (p.Thr114=)

Gene: BPTF (bromodomain PHD finger transcription factor; plus strand). Cytogenetic location: 17q24.2.
Variant type: single nucleotide variant.
Coding change: c.342C>T on transcript NM_182641.4 (MANE Select); coding-DNA position 342, C replaced by T.
Protein change: p.Thr114=; no amino-acid change (threonine 114 retained).
Molecular consequence: synonymous variant.
Genome position (GRCh38, 1-based): chr17:67,826,066, C>T. VCF-style: chr17-67826066-C-T. GRCh37 (hg19) VCF-style: chr17-65822182-C-T.
Other names: c.342C>T, p.Thr114= (NM_004459.7).
Identifiers: ClinVar variation 3256968 (VCV003256968.17).

ClinVar aggregate classification (germline): Likely benign (1 of 4 stars; one submission).

gnomAD v4.1: 10 of 1,269,574 alleles (0.00079%); highest among the groups gnomAD compares: African/African-American, 0.0047%; no homozygotes.

Submission:

CeGaT Center for Human Genetics Tuebingen
Classification: Likely benign. Last evaluated: 2024-07-01. Review status: criteria provided, single submitter. Criteria: CeGaT Center For Human Genetics Tuebingen Variant Classification Criteria Version 2. Collection method: clinical testing. Allele origin: germline. Affected: yes. Observed: 1 variant allele.
Comment: BPTF: BP4, BP7